The following is an entry in ClinVar:

ClinVar aggregate classification (germline): Uncertain significance. Review status: criteria provided, multiple submitters, no conflicts (2 of 4 stars). 5 submissions from 5 submitters: Uncertain significance (5). Last evaluated 2024-12-28.

Conditions:
Familial thoracic aortic aneurysm and aortic dissection (TAAD). Also called: Thoracic aortic aneurysms and dissections. Identifiers: Orphanet 91387, MedGen C4707243, MONDO:0019625.
Aortic aneurysm, familial thoracic 4 (AAT4). Also called: AORTIC ANEURYSM/AORTIC DISSECTION AND PATENT DUCTUS ARTERIOSUS. Identifiers: MedGen C1851504, MONDO:0007568, OMIM 132900.

Allele frequency attached by ClinVar (database versions not stated): TOPMed below 0.00001; ExAC 0.00001; gnomAD 0.00001; gnomAD exomes 0.00001; ESP Exome Variant Server 0.00008.
gnomAD v4.1: 5 of 1,614,068 alleles (0.00031%); highest among the groups gnomAD compares: Non-Finnish European, 0.00042%; no homozygotes.

Submissions (5):

Ambry Genetics
Classification: Uncertain significance for Familial thoracic aortic aneurysm and aortic dissection. Last evaluated: 2024-12-28. Review status: criteria provided, single submitter. Criteria: Ambry Variant Classification Scheme 2023. Collection method: clinical testing. Allele origin: germline.
Comment: The p.D991E variant (also known as c.2973T>G), located in coding exon 22 of the MYH11 gene, results from a T to G substitution at nucleotide position 2973. The aspartic acid at codon 991 is replaced by glutamic acid, an amino acid with highly similar properties. This amino acid position is conserved. In addition, this alteration is predicted to be tolerated by in silico analysis. Based on the available evidence, the clinical significance of this variant remains unclear.

ARUP Laboratories, Molecular Genetics and Genomics, ARUP Laboratories
Classification: Uncertain significance. Last evaluated: 2024-11-27. Review status: criteria provided, single submitter. Criteria: ARUP Molecular Germline Variant Investigation Process 2024. Collection method: clinical testing. Allele origin: germline.
Comment: The MYH11 c.2973T>G; p.Asp991Glu variant (rs368193129), to our knowledge, is not reported in the medical literature but is reported in ClinVar (Variation ID: 3072531). This variant is only observed on one allele in the Genome Aggregation Database (v2.1.1), indicating it is not a common polymorphism. Computational analyses are uncertain whether this variant is neutral or deleterious (REVEL: 0.164). Due to limited information, the clinical significance of this variant is uncertain at this time.

Labcorp Genetics (formerly Invitae), Labcorp
Classification: Uncertain significance for Aortic aneurysm, familial thoracic 4. Last evaluated: 2024-05-07. Review status: criteria provided, single submitter. Criteria: Invitae Variant Classification Sherloc (09022015). Collection method: clinical testing. Allele origin: germline.
Comment: This sequence change replaces aspartic acid, which is acidic and polar, with glutamic acid, which is acidic and polar, at codon 998 of the MYH11 protein (p.Asp998Glu). This variant is present in population databases (rs368193129, gnomAD 0.0009%). This variant has not been reported in the literature in individuals affected with MYH11-related conditions. Advanced modeling of protein sequence and biophysical properties (such as structural, functional, and spatial information, amino acid conservation, physicochemical variation, residue mobility, and thermodynamic stability) performed at Invitae indicates that this missense variant is not expected to disrupt MYH11 protein function with a negative predictive value of 95%. In summary, the available evidence is currently insufficient to determine the role of this variant in disease. Therefore, it has been classified as a Variant of Uncertain Significance.

Color Diagnostics, LLC DBA Color Health
Classification: Uncertain significance for Familial thoracic aortic aneurysm and aortic dissection. Last evaluated: 2024-02-04. Review status: criteria provided, single submitter. Criteria: ACMG Guidelines, 2015. Collection method: clinical testing. Allele origin: germline.
Comment: This missense variant replaces aspartic acid with glutamic acid at codon 998 of the MYH11 protein. Computational prediction suggests that this variant may not impact protein structure and function (internally defined REVEL score threshold <= 0.5, PMID: 27666373). To our knowledge, functional studies have not been reported for this variant. This variant has not been reported in individuals affected with MYH11-related disorders in the literature. This variant has been identified in 1/251488 chromosomes in the general population by the Genome Aggregation Database (gnomAD). The available evidence is insufficient to determine the role of this variant in disease conclusively. Therefore, this variant is classified as a Variant of Uncertain Significance.

All of Us Research Program, National Institutes of Health
Classification: Uncertain significance for Familial thoracic aortic aneurysm and aortic dissection. Last evaluated: 2023-08-15. Review status: criteria provided, single submitter. Criteria: ACMG Guidelines, 2015. Collection method: clinical testing. Allele origin: germline. Inheritance: Autosomal dominant inheritance. Observed: 1 variant allele, 1 heterozygote.
Comment: This study involves interpretation of variants in research participants for the purpose of population health screening. Participant phenotype was not available at the time of variant classification. Additional details can be found in publication PMID: 35346344, PMCID: PMC8962531

NM_002474.3(MYH11):c.2973T>G (p.Asp991Glu)

Gene: MYH11 (myosin heavy chain 11; minus strand). Cytogenetic location: 16p13.11.
Variant type: single nucleotide variant.
Coding change: c.2973T>G on transcript NM_002474.3 (MANE Select); coding-DNA position 2973, T replaced by G.
Protein change: p.Asp991Glu; replaces aspartic acid 991 with glutamic acid.
Molecular consequence: missense variant.
Genome position (GRCh38, 1-based): chr16:15,740,075, A>C on the plus strand (T>G on the coding strand, the complement: MYH11 is on the minus strand). VCF-style: chr16-15740075-A-C. GRCh37 (hg19) VCF-style: chr16-15833932-A-C.
Other names: c.2973T>G (NM_002474.2); c.2994T>G, p.Asp998Glu (NM_001040113.2, NM_001040114.2); c.2973T>G, p.Asp991Glu (NM_022844.3); short protein forms D991E, D998E.
Identifiers: ClinVar variation 3072531 (VCV003072531.6), dbSNP rs368193129, ClinGen allele CA7922136.